The following is an entry in ClinVar:

ClinVar aggregate classification (germline): Uncertain significance. Review status: criteria provided, multiple submitters, no conflicts (2 of 4 stars). 2 submissions from 2 submitters: Uncertain significance (2). Last evaluated 2025-04-26.

Conditions:
POLD1-related polyposis and colorectal cancer syndrome (CRCS10). Also called: Colorectal cancer 10; COLORECTAL CANCER, SUSCEPTIBILITY TO, ON CHROMOSOME 19q; Colorectal cancer, susceptibility to, 10. Identifiers: Orphanet 220460, MedGen C2675481, MONDO:0012953, OMIM 612591.
Hereditary cancer-predisposing syndrome. Also called: Tumor predisposition; Hereditary Cancer Syndrome; Hereditary neoplastic syndrome; Neoplastic Syndromes, Hereditary. Identifiers: Orphanet 140162, MedGen C0027672, MeSH D009386, MONDO:0015356.

Submissions (2):

Labcorp Genetics (formerly Invitae), Labcorp
Classification: Uncertain significance for POLD1-related polyposis and colorectal cancer syndrome. Last evaluated: 2025-04-26. Review status: criteria provided, single submitter. Criteria: Invitae Variant Classification Sherloc (09022015). Collection method: clinical testing. Allele origin: germline.
Comment: This sequence change replaces phenylalanine, which is neutral and non-polar, with cysteine, which is neutral and slightly polar, at codon 156 of the POLD1 protein (p.Phe156Cys). This variant is not present in population databases (gnomAD no frequency). This variant has not been reported in the literature in individuals affected with POLD1-related conditions. ClinVar contains an entry for this variant (Variation ID: 964875). Invitae Evidence Modeling of protein sequence and biophysical properties (such as structural, functional, and spatial information, amino acid conservation, physicochemical variation, residue mobility, and thermodynamic stability) indicates that this missense variant is not expected to disrupt POLD1 protein function with a negative predictive value of 80%. In summary, the available evidence is currently insufficient to determine the role of this variant in disease. Therefore, it has been classified as a Variant of Uncertain Significance.

Ambry Genetics
Classification: Uncertain significance for Hereditary cancer-predisposing syndrome. Last evaluated: 2024-06-07. Review status: criteria provided, single submitter. Criteria: Ambry Variant Classification Scheme 2023. Collection method: clinical testing. Allele origin: germline.
Comment: The p.F156C variant (also known as c.467T>G), located in coding exon 4 of the POLD1 gene, results from a T to G substitution at nucleotide position 467. The phenylalanine at codon 156 is replaced by cysteine, an amino acid with highly dissimilar properties. This amino acid position is conserved. In addition, this alteration is predicted to be tolerated by in silico analysis. Based on the available evidence, the clinical significance of this variant remains unclear.

NM_002691.4(POLD1):c.467T>G (p.Phe156Cys)

Gene: POLD1 (DNA polymerase delta 1, catalytic subunit; plus strand). Cytogenetic location: 19q13.33.
Variant type: single nucleotide variant.
Coding change: c.467T>G on transcript NM_002691.4 (MANE Select); coding-DNA position 467, T replaced by G.
Protein change: p.Phe156Cys; replaces phenylalanine 156 with cysteine.
Molecular consequence: missense variant. On other transcripts: non-coding transcript variant (1).
Genome position (GRCh38, 1-based): chr19:50,402,002, T>G. VCF-style: chr19-50402002-T-G. GRCh37 (hg19) VCF-style: chr19-50905259-T-G.
Other names: c.467T>G, p.Phe156Cys (NM_001256849.1, NM_001308632.1); c.467T>G (NM_002691.2); short protein forms F156C.
Identifiers: ClinVar variation 964875 (VCV000964875.8), dbSNP rs2038657050, ClinGen allele CA406972875.